The following is an entry in ClinVar:

ClinVar aggregate classification (germline): Pathogenic. Review status: reviewed by expert panel (3 of 4 stars). 12 submissions from 12 submitters: Pathogenic (1). 11 of the submissions do not count toward it. Last evaluated 2016-09-08.

Conditions:
Hereditary cancer-predisposing syndrome. Also called: Tumor predisposition; Neoplastic Syndromes, Hereditary; Hereditary Cancer Syndrome; Hereditary neoplastic syndrome. Identifiers: Orphanet 140162, MedGen C0027672, MeSH D009386, MONDO:0015356.
Hereditary breast ovarian cancer syndrome. Also called: Hereditary breast and ovarian cancer syndrome (HBOC); Hereditary breast and ovarian cancer syndrome; Hereditary breast and ovarian cancer; Hereditary breast and/or ovarian cancer syndrome; Breast and ovarian cancer; BRCA1- and BRCA2-Associated Hereditary Breast and Ovarian Cancer. Identifiers: Orphanet 145, MedGen C0677776, MeSH D061325, MONDO:0003582. Disease mechanism: loss of function.
Breast-ovarian cancer, familial, susceptibility to, 1 (BROVCA1). Also called: OVARIAN CANCER, SUSCEPTIBILITY TO; BRCA1 Hereditary Breast and Ovarian Cancer. Identifiers: Orphanet 145, MedGen C2676676, MONDO:0011450, OMIM 604370. Disease mechanism: loss of function.

Submissions (12):

Evidence-based Network for the Interpretation of Germline Mutant Alleles (ENIGMA)
Classification: Pathogenic for Breast-ovarian cancer, familial, susceptibility to, 1. Last evaluated: 2016-09-08. Review status: reviewed by expert panel. Criteria: ENIGMA BRCA1/2 Classification Criteria (2015). Collection method: curation. Allele origin: germline.
Comment: Variant allele predicted to encode a truncated non-functional protein.

Labcorp Genetics (formerly Invitae), Labcorp
Classification: Pathogenic for Hereditary breast ovarian cancer syndrome. Last evaluated: 2025-12-09. Review status: criteria provided, single submitter. Criteria: Invitae Variant Classification Sherloc (09022015). Collection method: clinical testing. Allele origin: germline. Not counted in ClinVar's aggregate classification.
Comment: This sequence change creates a premature translational stop signal (p.Glu733*) in the BRCA1 gene. It is expected to result in an absent or disrupted protein product. Loss-of-function variants in BRCA1 are known to be pathogenic (PMID: 20104584). This variant is not present in population databases (gnomAD no frequency). This premature translational stop signal has been observed in individual(s) with clinical features of hereditary breast and ovarian cancer syndrome (PMID: 21913181, 29446198). ClinVar contains an entry for this variant (Variation ID: 54494). For these reasons, this variant has been classified as Pathogenic.

ARUP Laboratories, Molecular Genetics and Genomics, ARUP Laboratories
Classification: Pathogenic. Last evaluated: 2024-02-16. Review status: criteria provided, single submitter. Criteria: ARUP Molecular Germline Variant Investigation Process 2024. Collection method: clinical testing. Allele origin: germline. Not counted in ClinVar's aggregate classification.
Comment: The BRCA1 c.2197G>T; p.Glu733Ter variant (rs397508949) is reported in the literature in individuals affected with breast and/or ovarian cancer (Litton 2012, Rebbeck 2018). This variant is also reported in ClinVar (Variation ID: 54494), but is absent from the Genome Aggregation Database (v2.1.1), indicating it is not a common polymorphism. This variant induces an early termination codon and is predicted to result in a truncated protein or mRNA subject to nonsense-mediated decay. Based on available information, this variant is considered to be pathogenic. References: Litton JK et al. Earlier age of onset of BRCA mutation-related cancers in subsequent generations. Cancer. 2012 Jan 15;118(2):321-5. PMID: 21913181. Rebbeck TR et al. Mutational spectrum in a worldwide study of 29,700 families with BRCA1 or BRCA2 mutations. Hum Mutat. 2018 May;39(5):593-620. PMID: 29446198.

Women's Health and Genetics/Laboratory Corporation of America, LabCorp
Classification: Pathogenic for Hereditary breast ovarian cancer syndrome. Last evaluated: 2023-03-24. Review status: criteria provided, single submitter. Criteria: LabCorp Variant Classification Summary - May 2015. Collection method: clinical testing. Allele origin: germline. Not counted in ClinVar's aggregate classification.
Comment: Variant summary: BRCA1 c.2197G>T (p.Glu733X) results in a premature termination codon, predicted to cause a truncation of the encoded protein or absence of the protein due to nonsense mediated decay, which are commonly known mechanisms for disease. Truncations downstream of this position have been classified as pathogenic by our laboratory. The variant was absent in 250628 control chromosomes (gnomAD). c.2197G>T has been reported in the literature in individuals affected with Hereditary Breast And Ovarian Cancer Syndrome (e.g. Litton_2012, Rebbeck_2018). These data indicate that the variant may be associated with disease. To our knowledge, no experimental evidence demonstrating an impact on protein function has been reported. Six ClinVar submitters, including one expert panel (ENIGMA) and one consortium (CIMBA), have assessed the variant since 2014: all six classified the variant as pathogenic. Based on the evidence outlined above, the variant was classified as pathogenic.

GeneDx
Classification: Pathogenic. Last evaluated: 2022-11-25. Review status: criteria provided, single submitter. Criteria: GeneDx Variant Classification Process June 2021. Collection method: clinical testing. Allele origin: germline. Affected: yes. Not counted in ClinVar's aggregate classification.
Comment: Nonsense variant predicted to result in protein truncation or nonsense mediated decay in a gene for which loss-of-function is a known mechanism of disease; Observed in individuals with a personal and family history consistent with pathogenic variants in this gene (Litton et al., 2012; Rebbeck et al., 2018); Truncating variants in this gene are considered pathogenic by a well-established clinical consortium and/or database; Not observed in large population cohorts (gnomAD); Also known as 2316G>T; This variant is associated with the following publications: (PMID: 29446198, 21913181)

Revvity Omics, Revvity
Classification: Pathogenic. Last evaluated: 2022-10-05. Review status: criteria provided, single submitter. Criteria: ACMG Guidelines, 2015. Collection method: clinical testing. Allele origin: germline. Not counted in ClinVar's aggregate classification.

Quest Diagnostics Nichols Institute San Juan Capistrano
Classification: Pathogenic. Last evaluated: 2022-08-19. Review status: criteria provided, single submitter. Criteria: Quest Diagnostics criteria. Collection method: clinical testing. Allele origin: unknown. Not counted in ClinVar's aggregate classification.
Comment: This nonsense variant causes the premature termination of BRCA1 protein synthesis. It has not been reported in large, multi-ethnic general populations. In the published literature, the variant has been reported in individuals with breast cancer (PMID: 33471991 (2021), PMID: 21913181 (2012)). Based on the available information, this variant is classified as pathogenic.

Clinical Genetics Laboratory, Skane University Hospital Lund
Classification: Pathogenic. Last evaluated: 2022-05-27. Review status: criteria provided, single submitter. Criteria: ACMG Guidelines, 2015. Collection method: clinical testing. Allele origin: germline. Affected: yes. Not counted in ClinVar's aggregate classification.

Baylor Genetics
Classification: Pathogenic for Breast-ovarian cancer, familial, susceptibility to, 1. Last evaluated: 2022-04-25. Review status: criteria provided, single submitter. Criteria: ACMG Guidelines, 2015. Collection method: clinical testing. Allele origin: unknown. Not counted in ClinVar's aggregate classification.

Ambry Genetics
Classification: Pathogenic for Hereditary cancer-predisposing syndrome. Last evaluated: 2021-03-27. Review status: criteria provided, single submitter. Criteria: Ambry Variant Classification Scheme 2023. Collection method: clinical testing. Allele origin: germline. Not counted in ClinVar's aggregate classification.
Comment: The p.E733* pathogenic mutation (also known as c.2197G>T), located in coding exon 9 of the BRCA1 gene, results from a G to T substitution at nucleotide position 2197. This changes the amino acid from a glutamic acid to a stop codon within coding exon 9. This mutation has been reported in at least one family with breast and/or ovarian cancer (Litton JK et al. Cancer, 2012 Jan;118:321-5). This mutation was also identified in a large, worldwide study of BRCA1/2 mutation positive families (Rebbeck TR et al. Hum Mutat, 2018 05;39:593-620). In addition to the clinical data presented in the literature, this alteration is expected to result in loss of function by premature protein truncation or nonsense-mediated mRNA decay. As such, this alteration is interpreted as a disease-causing mutation.

Consortium of Investigators of Modifiers of BRCA1/2 (CIMBA), c/o University of Cambridge
Classification: Pathogenic for Breast-ovarian cancer, familial, susceptibility to, 1. Last evaluated: 2015-10-02. Review status: criteria provided, single submitter. Criteria: CIMBA Mutation Classification guidelines May 2016. Collection method: clinical testing. Allele origin: germline. Not counted in ClinVar's aggregate classification.

Sharing Clinical Reports Project (SCRP)
Classification: Pathogenic for Breast-ovarian cancer, familial 1. Last evaluated: 2012-06-25. Review status: no assertion criteria provided. Collection method: clinical testing. Allele origin: germline. Not counted in ClinVar's aggregate classification.

Literature cited by the submitters: PubMed 20104584 (cited by Labcorp Genetics (formerly Invitae), Labcorp); PubMed 21913181 (cited by 4 submitters); PubMed 29446198 (cited by 4 submitters); PubMed 33471991 (cited by Women's Health and Genetics/Laboratory Corporation of America, LabCorp and Quest Diagnostics Nichols Institute San Juan Capistrano).

NM_007294.4(BRCA1):c.2197G>T (p.Glu733Ter)

Gene: BRCA1 (BRCA1 DNA repair associated; minus strand). Cytogenetic location: 17q21.31.
Variant type: single nucleotide variant.
Coding change: c.2197G>T on transcript NM_007294.4 (MANE Select); coding-DNA position 2197, G replaced by T.
Protein change: p.Glu733Ter; replaces glutamic acid 733 with a stop codon.
Molecular consequence: nonsense. On other transcripts: intron variant (137).
Genome position (GRCh38, 1-based): chr17:43,093,334, C>A on the plus strand (G>T on the coding strand, the complement: BRCA1 is on the minus strand). VCF-style: chr17-43093334-C-A. GRCh37 (hg19) VCF-style: chr17-41245351-C-A.
Other names: 2316G>T; c.2188G>T, p.Glu730Ter (NM_001407647.1, NM_001407646.1); c.2074G>T, p.Glu692Ter (NM_001407648.1, NM_001407664.1, NM_001407665.1 and 19 more transcripts); c.2071G>T, p.Glu691Ter (NM_001407649.1, NM_001407670.1, NM_001407671.1 and 11 more transcripts); c.2197G>T, p.Glu733Ter (NM_001407652.1, NM_001407684.1, NM_001407854.1 and 30 more transcripts); c.2119G>T, p.Glu707Ter (NM_001407653.1, NM_001407654.1, NM_001407655.1 and 4 more transcripts); c.2116G>T, p.Glu706Ter (NM_001407659.1, NM_001407660.1, NM_001407661.1 and 1 more transcripts); c.2056G>T, p.Glu686Ter (NM_001407692.1, NM_001407694.1, NM_001407695.1 and 29 more transcripts); and 42 more; short protein forms E733*, E686*, E437*, E606*, E663*, E730*, E732*, E644*.
Identifiers: ClinVar variation 54494 (VCV000054494.24), dbSNP rs397508949, ClinGen allele CA001468.